The following is an entry in ClinVar:

ClinVar aggregate classification (germline): Uncertain significance (1 of 4 stars; one submission).

Submission:

GeneDx
Classification: Uncertain significance. Last evaluated: 2026-03-11. Review status: criteria provided, single submitter. Criteria: GeneDx Variant Classification Process June 2021. Collection method: clinical testing. Allele origin: germline.
Comment: Not observed at significant frequency in large population cohorts (gnomAD); In silico analysis suggests that this missense variant does not alter protein structure/function; Has not been previously published as pathogenic or benign to our knowledge

NM_025114.4(CEP290):c.2401T>G (p.Leu801Val)

Gene: CEP290 (centrosomal protein 290; minus strand). Cytogenetic location: 12q21.32.
Variant type: single nucleotide variant.
Coding change: c.2401T>G on transcript NM_025114.4 (MANE Select); coding-DNA position 2401, T replaced by G.
Protein change: p.Leu801Val; replaces leucine 801 with valine.
Molecular consequence: missense variant.
Genome position (GRCh38, 1-based): chr12:88,109,148, A>C on the plus strand (T>G on the coding strand, the complement: CEP290 is on the minus strand). VCF-style: chr12-88109148-A-C. GRCh37 (hg19) VCF-style: chr12-88502925-A-C.
Other names: short protein forms L801V.
Identifiers: ClinVar variation 5010081 (VCV005010081.1).